The following is an entry in ClinVar:

ClinVar aggregate classification (germline): Uncertain significance (1 of 4 stars; one submission).

Conditions:
Zellweger spectrum disorders (ZS). Also called: Zellweger Spectrum Disorder (ZSD); Zellweger syndrome; Zellweger Spectrum Disorder; Zellweger Spectrum. Identifiers: Orphanet 912, MedGen C0043459, MONDO:0019609.

Submission:

Labcorp Genetics (formerly Invitae), Labcorp
Classification: Uncertain significance for Zellweger spectrum disorders. Last evaluated: 2022-02-03. Review status: criteria provided, single submitter. Criteria: Invitae Variant Classification Sherloc (09022015). Collection method: clinical testing. Allele origin: germline.
Comment: This sequence change replaces aspartic acid, which is acidic and polar, with glutamic acid, which is acidic and polar, at codon 1040 of the PEX1 protein (p.Asp1040Glu). This variant is not present in population databases (gnomAD no frequency). This variant has not been reported in the literature in individuals affected with PEX1-related conditions. Advanced modeling of protein sequence and biophysical properties (such as structural, functional, and spatial information, amino acid conservation, physicochemical variation, residue mobility, and thermodynamic stability) performed at Invitae indicates that this missense variant is not expected to disrupt PEX1 protein function. In summary, the available evidence is currently insufficient to determine the role of this variant in disease. Therefore, it has been classified as a Variant of Uncertain Significance.

NM_000466.3(PEX1):c.3120C>G (p.Asp1040Glu)

Genes: GATAD1 (GATA zinc finger domain containing 1; plus strand), PEX1 (peroxisomal biogenesis factor 1; minus strand). Cytogenetic location: 7q21.2.
Variant type: single nucleotide variant.
Coding change: c.3120C>G on transcript NM_000466.3 (MANE Select); coding-DNA position 3120, C replaced by G.
Protein change: p.Asp1040Glu; replaces aspartic acid 1040 with glutamic acid.
Molecular consequence: missense variant.
Genome position (GRCh38, 1-based): chr7:92,493,040, G>C on the plus strand (C>G on the coding strand, the complement: PEX1 is on the minus strand). VCF-style: chr7-92493040-G-C. GRCh37 (hg19) VCF-style: chr7-92122354-G-C.
Other names: c.2949C>G, p.Asp983Glu (NM_001282677.2); c.2496C>G, p.Asp832Glu (NM_001282678.2); short protein forms D832E, D983E, D1040E.
Identifiers: ClinVar variation 1371789 (VCV001371789.8), dbSNP rs2116078096, ClinGen allele CA368166570.